The following is an entry in ClinVar:

ClinVar aggregate classification (germline): Pathogenic. Review status: criteria provided, multiple submitters, no conflicts (2 of 4 stars). 2 submissions from 2 submitters: Pathogenic (2). Last evaluated 2024-03-25.

Conditions:
Acid sphingomyelinase deficiency. Identifiers: Orphanet 618899, MedGen C5243927, MONDO:0100464.
Niemann-Pick disease, type A. Also called: SPHINGOMYELIN LIPIDOSIS; SPHINGOMYELINASE DEFICIENCY; Infantile Neurovisceral ASMD (Niemann-Pick Disease Type A; NPD-A). Identifiers: Orphanet 77292, MedGen C0268242, MONDO:0009756, OMIM 257200. Disease mechanism: loss of function.
Niemann-Pick disease, type B. Also called: Chronic Visceral ASMD (Niemann-Pick Disease Type B; NPD-B). Identifiers: Orphanet 77293, MedGen C0268243, MONDO:0011871, OMIM 607616. Disease mechanism: loss of function.

Allele frequency attached by ClinVar (database versions not stated): gnomAD exomes below 0.00001.

Submissions (2):

Myriad Genetics, Inc.
Classification: Pathogenic for Acid sphingomyelinase deficiency. Last evaluated: 2024-03-25. Review status: criteria provided, single submitter. Criteria: Myriad Autosomal Dominant, Autosomal Recessive and X-Linked Classification Criteria (2023). Collection method: clinical testing. Allele origin: unknown.
Comment: NM_000543.4(SMPD1):c.632G>A(W211*) is expected to be pathogenic in the context of Niemann-Pick disease, SMPD1-related. This variant is predicted to lead to an abnormal or absent protein product due to the creation of a premature termination codon in SMPD1, a gene where loss-of-function variants are known to be pathogenic. Please note: this variant was assessed in the context of healthy population screening.

Huiwen Zhang's lab, Shanghai Jiao Tong University School of Medicine, Xinhua Hospital
Classification: Pathogenic for Niemann-Pick disease, type A; Niemann-Pick disease, type B. Last evaluated: 2020-12-30. Review status: criteria provided, single submitter. Criteria: ACMG Guidelines, 2015. Collection method: clinical testing. Allele origin: inherited. Affected: yes.

NM_000543.5(SMPD1):c.632G>A (p.Trp211Ter)

Gene: SMPD1 (sphingomyelin phosphodiesterase 1; plus strand). Cytogenetic location: 11p15.4.
Variant type: single nucleotide variant.
Coding change: c.632G>A on transcript NM_000543.5 (MANE Select); coding-DNA position 632, G replaced by A.
Protein change: p.Trp211Ter; replaces tryptophan 211 with a stop codon.
Molecular consequence: nonsense. On other transcripts: 5 prime UTR variant (1), non-coding transcript variant (1).
Genome position (GRCh38, 1-based): chr11:6,391,697, G>A. VCF-style: chr11-6391697-G-A. GRCh37 (hg19) VCF-style: chr11-6412927-G-A.
Other names: c.629G>A, p.Trp210Ter (NM_001007593.3); c.632G>A, p.Trp211Ter (NM_001318087.2, NM_001365135.2); c.-330G>A (NM_001318088.2); short protein forms W210*, W211*.
Identifiers: ClinVar variation 992685 (VCV000992685.2), dbSNP rs1847921909, ClinGen allele CA379370441.